The following is an entry in ClinVar:

NM_032043.3(BRIP1):c.1166T>C (p.Val389Ala)

Gene: BRIP1 (BRCA1 interacting DNA helicase 1; minus strand). Cytogenetic location: 17q23.2.
Variant type: single nucleotide variant.
Coding change: c.1166T>C on transcript NM_032043.3 (MANE Select); coding-DNA position 1166, T replaced by C.
Protein change: p.Val389Ala; replaces valine 389 with alanine.
Molecular consequence: missense variant.
Genome position (GRCh38, 1-based): chr17:61,799,274, A>G on the plus strand (T>C on the coding strand, the complement: BRIP1 is on the minus strand). VCF-style: chr17-61799274-A-G. GRCh37 (hg19) VCF-style: chr17-59876635-A-G.
Other names: c.1166T>C (NM_032043.2); short protein forms V389A.
Identifiers: ClinVar variation 1346048 (VCV001346048.8), dbSNP rs2145309289, ClinGen allele CA400483779.

ClinVar aggregate classification (germline): Uncertain significance. Review status: criteria provided, multiple submitters, no conflicts (2 of 4 stars). 2 submissions from 2 submitters: Uncertain significance (2). Last evaluated 2024-08-21.

Conditions:
Familial cancer of breast. Also called: BREAST CANCER, FAMILIAL; hereditary breast carcinoma; Hereditary breast cancer. Identifiers: Orphanet 227535, MedGen C0346153, MONDO:0016419, OMIM 114480. Disease mechanism: loss of function.
Fanconi anemia complementation group J. Also called: BRIP1-Related Fanconi Anemia. Identifiers: Orphanet 84, MedGen C1836860, MONDO:0012187, OMIM 609054.
Hereditary cancer-predisposing syndrome. Also called: Hereditary Cancer Syndrome; Neoplastic Syndromes, Hereditary; Tumor predisposition; Hereditary neoplastic syndrome. Identifiers: Orphanet 140162, MedGen C0027672, MeSH D009386, MONDO:0015356.

Submissions (2):

Labcorp Genetics (formerly Invitae), Labcorp
Classification: Uncertain significance for Familial cancer of breast; Fanconi anemia complementation group J. Last evaluated: 2024-08-21. Review status: criteria provided, single submitter. Criteria: Invitae Variant Classification Sherloc (09022015). Collection method: clinical testing. Allele origin: germline.
Comment: This sequence change replaces valine, which is neutral and non-polar, with alanine, which is neutral and non-polar, at codon 389 of the BRIP1 protein (p.Val389Ala). This variant is not present in population databases (gnomAD no frequency). This variant has not been reported in the literature in individuals affected with BRIP1-related conditions. ClinVar contains an entry for this variant (Variation ID: 1346048). Invitae Evidence Modeling of protein sequence and biophysical properties (such as structural, functional, and spatial information, amino acid conservation, physicochemical variation, residue mobility, and thermodynamic stability) indicates that this missense variant is not expected to disrupt BRIP1 protein function with a negative predictive value of 80%. In summary, the available evidence is currently insufficient to determine the role of this variant in disease. Therefore, it has been classified as a Variant of Uncertain Significance.

Ambry Genetics
Classification: Uncertain significance for Hereditary cancer-predisposing syndrome. Last evaluated: 2024-05-25. Review status: criteria provided, single submitter. Criteria: Ambry Variant Classification Scheme 2023. Collection method: clinical testing. Allele origin: germline.
Comment: The p.V389A variant (also known as c.1166T>C), located in coding exon 8 of the BRIP1 gene, results from a T to C substitution at nucleotide position 1166. The valine at codon 389 is replaced by alanine, an amino acid with similar properties. This amino acid position is conserved. In addition, the in silico prediction for this alteration is inconclusive. Based on the available evidence, the clinical significance of this variant remains unclear.